The following is an entry in ClinVar:

ClinVar aggregate classification (germline): Likely benign. Review status: criteria provided, single submitter (1 of 4 stars). 2 submissions from 2 submitters: Likely benign (1). 1 of the submissions does not count toward it. Last evaluated 2024-02-24.

Conditions:
COL18A1-related disorder. Also called: COL18A1-related disorders; COL18A1-related condition.

Submissions (2):

Labcorp Genetics (formerly Invitae), Labcorp
Classification: Likely benign. Last evaluated: 2024-02-24. Review status: criteria provided, single submitter. Criteria: Invitae Variant Classification Sherloc (09022015). Collection method: clinical testing. Allele origin: germline.

PreventionGenetics, part of Exact Sciences
Classification: Likely benign for COL18A1-related condition. Last evaluated: 2023-03-28. Review status: no assertion criteria provided. Collection method: clinical testing. Allele origin: germline. Not counted in ClinVar's aggregate classification.
Comment: This variant is classified as likely benign based on ACMG/AMP sequence variant interpretation guidelines (Richards et al. 2015 PMID: 25741868, with internal and published modifications).

NM_001379500.1(COL18A1):c.3417C>T (p.His1139=)

Genes: COL18A1 (collagen type XVIII alpha 1 chain; plus strand), SLC19A1 (solute carrier family 19 member 1; minus strand). Cytogenetic location: 21q22.3.
Variant type: single nucleotide variant.
Coding change: c.3417C>T on transcript NM_001379500.1 (MANE Select); coding-DNA position 3417, C replaced by T.
Protein change: p.His1139=; no amino-acid change (histidine 1139 retained).
Molecular consequence: synonymous variant.
Genome position (GRCh38, 1-based): chr21:45,509,523, C>T. VCF-style: chr21-45509523-C-T. GRCh37 (hg19) VCF-style: chr21-46929437-C-T.
Other names: c.3948C>T (NM_030582.3); c.3948C>T, p.His1316= (NM_030582.4); c.4653C>T, p.His1551= (NM_130444.3).
Identifiers: ClinVar variation 2099975 (VCV002099975.6), dbSNP rs1334996376, ClinGen allele CA512687597.